The following is an entry in ClinVar:

NM_000426.4(LAMA2):c.1798G>T (p.Gly600Ter)

Gene: LAMA2 (laminin subunit alpha 2; plus strand). Cytogenetic location: 6q22.33.
Variant type: single nucleotide variant.
Coding change: c.1798G>T on transcript NM_000426.4 (MANE Select); coding-DNA position 1798, G replaced by T.
Protein change: p.Gly600Ter; replaces glycine 600 with a stop codon.
Molecular consequence: nonsense.
Genome position (GRCh38, 1-based): chr6:129,250,127, G>T. VCF-style: chr6-129250127-G-T. GRCh37 (hg19) VCF-style: chr6-129571272-G-T.
Other names: c.1798G>T, p.Gly600Ter (NM_001079823.2); short protein forms G600*.
Identifiers: ClinVar variation 1454202 (VCV001454202.8), dbSNP rs36044314, ClinGen allele CA365609491.

ClinVar aggregate classification (germline): Pathogenic. Review status: criteria provided, multiple submitters, no conflicts (2 of 4 stars). 2 submissions from 2 submitters: Pathogenic (2). Last evaluated 2024-11-18.

Conditions:
LAMA2-related muscular dystrophy (LAMA2-RD). Also called: Laminin alpha 2-related dystrophy. Identifiers: MedGen C5679788, MONDO:0100228.

Submissions (2):

Servicio de Genética Del Instituto Nacional de Salud Del Niño, Ministerio de Salud
Classification: Pathogenic for LAMA2-related muscular dystrophy. Last evaluated: 2024-11-18. Review status: criteria provided, single submitter. Criteria: ACMG Guidelines, 2015. Collection method: clinical testing. Allele origin: germline. Inheritance: Autosomal recessive inheritance. Affected: yes.
Comment: The variant NM_000426.4:c.1798G>T (p.Gly600)* introduces a premature stop codon at codon 600, likely resulting in a truncated protein or nonsense-mediated decay (NMD). According to ACMG/AMP guidelines, this variant meets the criteria for PVS1, PM2, and PP5, supporting its classification as pathogenic

Labcorp Genetics (formerly Invitae), Labcorp
Classification: Pathogenic for LAMA2-related muscular dystrophy. Last evaluated: 2021-05-30. Review status: criteria provided, single submitter. Criteria: Invitae Variant Classification Sherloc (09022015). Collection method: clinical testing. Allele origin: germline.
Comment: For these reasons, this variant has been classified as Pathogenic. This variant has not been reported in the literature in individuals with LAMA2-related conditions. This variant is not present in population databases (ExAC no frequency). This sequence change creates a premature translational stop signal (p.Gly600*) in the LAMA2 gene. It is expected to result in an absent or disrupted protein product. Loss-of-function variants in LAMA2 are known to be pathogenic (PMID: 18700894).

Literature cited by the submitters: PubMed 18700894 (cited by Labcorp Genetics (formerly Invitae), Labcorp).